The following is an entry in ClinVar:

ClinVar aggregate classification (germline): Uncertain significance (1 of 4 stars; one submission).

Submission:

Labcorp Genetics (formerly Invitae), Labcorp
Classification: Uncertain significance. Last evaluated: 2022-07-19. Review status: criteria provided, single submitter. Criteria: Invitae Variant Classification Sherloc (09022015). Collection method: clinical testing. Allele origin: germline.
Comment: Algorithms developed to predict the effect of missense changes on protein structure and function are either unavailable or do not agree on the potential impact of this missense change (SIFT: "Deleterious"; PolyPhen-2: "Possibly Damaging"; Align-GVGD: "Class C0"). In summary, the available evidence is currently insufficient to determine the role of this variant in disease. Therefore, it has been classified as a Variant of Uncertain Significance. ClinVar contains an entry for this variant (Variation ID: 1004350). This missense change has been observed in individuals with clinical features of retinitis pigmentosa (Invitae). This variant is not present in population databases (gnomAD no frequency). This sequence change replaces arginine, which is basic and polar, with proline, which is neutral and non-polar, at codon 2330 of the PRPF8 protein (p.Arg2330Pro).

NM_006445.4(PRPF8):c.6989G>C (p.Arg2330Pro)

Gene: PRPF8 (pre-mRNA processing factor 8; minus strand). Cytogenetic location: 17p13.3.
Variant type: single nucleotide variant.
Coding change: c.6989G>C on transcript NM_006445.4 (MANE Select); coding-DNA position 6989, G replaced by C.
Protein change: p.Arg2330Pro; replaces arginine 2330 with proline.
Molecular consequence: missense variant.
Genome position (GRCh38, 1-based): chr17:1,650,821, C>G on the plus strand (G>C on the coding strand, the complement: PRPF8 is on the minus strand). VCF-style: chr17-1650821-C-G. GRCh37 (hg19) VCF-style: chr17-1554115-C-G.
Other names: short protein forms R2330P.
Identifiers: ClinVar variation 1004350 (VCV001004350.5), dbSNP rs1192693354, ClinGen allele CA397561740.